The following is an entry in ClinVar:

NM_032119.4(ADGRV1):c.7534A>G (p.Ile2512Val)

Gene: ADGRV1 (adhesion G protein-coupled receptor V1; plus strand). Cytogenetic location: 5q14.3.
Variant type: single nucleotide variant.
Coding change: c.7534A>G on transcript NM_032119.4 (MANE Select); coding-DNA position 7534, A replaced by G.
Protein change: p.Ile2512Val; replaces isoleucine 2512 with valine.
Molecular consequence: missense variant. On other transcripts: non-coding transcript variant (1).
Genome position (GRCh38, 1-based): chr5:90,694,290, A>G. VCF-style: chr5-90694290-A-G. GRCh37 (hg19) VCF-style: chr5-89990107-A-G.
Other names: c.7534A>G (NM_032119.3); short protein forms I2512V.
Identifiers: ClinVar variation 1474337 (VCV001474337.6), dbSNP rs1404014734, ClinGen allele CA360379008.

ClinVar aggregate classification (germline): Conflicting classifications of pathogenicity. Review status: criteria provided, conflicting classifications (1 of 4 stars). 2 submissions from 2 submitters: Uncertain significance (1); Likely benign (1). Last evaluated 2025-01-16.

Conditions:
Inborn genetic diseases. Identifiers: MedGen C0950123, MeSH D030342.

Allele frequency attached by ClinVar (database versions not stated): gnomAD exomes below 0.00001.
gnomAD v4.1: 5 of 1,614,000 alleles (0.00031%); highest among the groups gnomAD compares: Non-Finnish European, 0.00042%; no homozygotes.

Submissions (2):

Ambry Genetics
Classification: Likely benign for Inborn genetic diseases. Last evaluated: 2025-01-16. Review status: criteria provided, single submitter. Criteria: Ambry Variant Classification Scheme 2023. Collection method: clinical testing. Allele origin: germline.

Labcorp Genetics (formerly Invitae), Labcorp
Classification: Uncertain significance. Last evaluated: 2022-02-22. Review status: criteria provided, single submitter. Criteria: Invitae Variant Classification Sherloc (09022015). Collection method: clinical testing. Allele origin: germline.
Comment: This sequence change replaces isoleucine, which is neutral and non-polar, with valine, which is neutral and non-polar, at codon 2512 of the ADGRV1 protein (p.Ile2512Val). This variant is not present in population databases (gnomAD no frequency). This variant has not been reported in the literature in individuals affected with ADGRV1-related conditions. Algorithms developed to predict the effect of missense changes on protein structure and function output the following: SIFT: "Tolerated"; PolyPhen-2: "Benign"; Align-GVGD: "Class C0". The valine amino acid residue is found in multiple mammalian species, which suggests that this missense change does not adversely affect protein function. In summary, the available evidence is currently insufficient to determine the role of this variant in disease. Therefore, it has been classified as a Variant of Uncertain Significance.